The following is an entry in ClinVar:

ClinVar aggregate classification (germline): Uncertain significance. Review status: criteria provided, multiple submitters, no conflicts (2 of 4 stars). 2 submissions from 2 submitters: Uncertain significance (2). Last evaluated 2024-10-29.

Conditions:
X-linked immunodeficiency with magnesium defect, Epstein-Barr virus infection and neoplasia. Identifiers: Orphanet 317476, MedGen C3275445, MONDO:0010455, OMIM 300853.

Submissions (2):

Labcorp Genetics (formerly Invitae), Labcorp
Classification: Uncertain significance for X-linked immunodeficiency with magnesium defect, Epstein-Barr virus infection and neoplasia. Last evaluated: 2024-10-29. Review status: criteria provided, single submitter. Criteria: Invitae Variant Classification Sherloc (09022015). Collection method: clinical testing. Allele origin: germline.
Comment: This variant, c.1026_1028del, results in the deletion of 1 amino acid(s) of the MAGT1 protein (p.Val343del), but otherwise preserves the integrity of the reading frame. This variant is not present in population databases (gnomAD no frequency). This variant has not been reported in the literature in individuals affected with MAGT1-related conditions. Experimental studies and prediction algorithms are not available or were not evaluated, and the functional significance of this variant is currently unknown. In summary, the available evidence is currently insufficient to determine the role of this variant in disease. Therefore, it has been classified as a Variant of Uncertain Significance.

Blueprint Genetics
Classification: Uncertain significance. Last evaluated: 2024-07-06. Review status: criteria provided, single submitter. Criteria: ACMG Guidelines, 2015. Collection method: clinical testing. Allele origin: germline.

NM_001367916.1(MAGT1):c.927TGT[1] (p.Val311del)

Gene: MAGT1 (magnesium transporter 1; minus strand). Cytogenetic location: Xq21.1.
Variant type: Microsatellite.
Coding change: c.927TGT[1] on transcript NM_001367916.1 (MANE Select); one copy of the 3-base unit TGT starting at c.927; the reference has two copies in a row; one copy, 3 bases deleted.
Protein change: p.Val311del; deletes valine 311.
Molecular consequence: inframe deletion.
Genome position (GRCh38, 1-based): chrX:77,830,865-77,830,867, ACA deleted on the plus strand (TGT on the coding strand, the reverse complement: MAGT1 is on the minus strand); deleting any 3 consecutive bases within chrX:77,830,865-77,830,871 gives the same sequence; the position shown is the placement nearest the transcript's 3' end. VCF-style (leftmost placement, unchanged base first): chrX-77830864-TACA-T. GRCh37 (hg19) VCF-style: chrX-77086361-TACA-T.
Other names: c.1023TGT[1], p.Val343del (NM_032121.5); short protein forms V343del, V311del.
Identifiers: ClinVar variation 1480831 (VCV001480831.9), dbSNP rs2076895612, ClinGen allele CA2439040096.